The following is an entry in ClinVar:

NM_000038.6(APC):c.8184G>A (p.Val2728=)

Gene: APC (APC regulator of Wnt signaling pathway; plus strand). Cytogenetic location: 5q22.2.
Variant type: single nucleotide variant.
Coding change: c.8184G>A on transcript NM_000038.6 (MANE Select); coding-DNA position 8184, G replaced by A.
Protein change: p.Val2728=; no amino-acid change (valine 2728 retained).
Molecular consequence: synonymous variant.
Genome position (GRCh38, 1-based): chr5:112,843,778, G>A. VCF-style: chr5-112843778-G-A. GRCh37 (hg19) VCF-style: chr5-112179475-G-A.
Other names: c.8184G>A, p.Val2728= (NM_001127510.3, NM_001354895.2); c.8130G>A, p.Val2710= (NM_001127511.3); c.8238G>A, p.Val2746= (NM_001354896.2); c.8214G>A, p.Val2738= (NM_001354897.2); c.8109G>A, p.Val2703= (NM_001354898.2); c.8100G>A, p.Val2700= (NM_001354899.2); c.8061G>A, p.Val2687= (NM_001354900.2); c.8007G>A, p.Val2669= (NM_001354901.2); and 5 more.
Identifiers: ClinVar variation 922193 (VCV000922193.14), dbSNP rs1766673977, ClinGen allele CA446211280.

ClinVar aggregate classification (germline): Benign/Likely benign. Review status: criteria provided, multiple submitters, no conflicts (2 of 4 stars). 4 submissions from 4 submitters: Benign (1); Likely benign (3). Last evaluated 2026-03-03.

Conditions:
Hereditary cancer-predisposing syndrome. Also called: Tumor predisposition; Hereditary neoplastic syndrome; Hereditary Cancer Syndrome; Neoplastic Syndromes, Hereditary. Identifiers: Orphanet 140162, MedGen C0027672, MeSH D009386, MONDO:0015356.
Familial adenomatous polyposis 1 (FAP1). Also called: FAMILIAL ADENOMATOUS POLYPOSIS 1, ATTENUATED; POLYPOSIS, ADENOMATOUS INTESTINAL. Identifiers: MedGen C2713442, MONDO:0021056, OMIM 175100. Disease mechanism: loss of function.

gnomAD v4.1: 1 of 1,613,972 alleles (0.000062%); highest among the groups gnomAD compares: Non-Finnish European, 0.000085%; no homozygotes.

Submissions (4):

Ambry Genetics
Classification: Likely benign for Hereditary cancer-predisposing syndrome. Last evaluated: 2026-03-03. Review status: criteria provided, single submitter. Criteria: Ambry Variant Classification Scheme 2023. Collection method: clinical testing. Allele origin: germline.

Labcorp Genetics (formerly Invitae), Labcorp
Classification: Likely benign for Familial adenomatous polyposis 1. Last evaluated: 2026-01-14. Review status: criteria provided, single submitter. Criteria: Invitae Variant Classification Sherloc (09022015). Collection method: clinical testing. Allele origin: germline.

Myriad Genetics, Inc.
Classification: Benign for Familial adenomatous polyposis 1. Last evaluated: 2024-04-12. Review status: criteria provided, single submitter. Criteria: Myriad Autosomal Dominant, Autosomal Recessive and X-Linked Classification Criteria (2023). Collection method: clinical testing. Allele origin: unknown.
Comment: This variant is considered benign. This variant is a silent/synonymous amino acid change and it is not expected to impact splicing.

Color Diagnostics, LLC DBA Color Health
Classification: Likely benign for Hereditary cancer-predisposing syndrome. Last evaluated: 2019-01-03. Review status: criteria provided, single submitter. Criteria: ACMG Guidelines, 2015. Collection method: clinical testing. Allele origin: germline.